The following is an entry in ClinVar:

NC_000011.10:g.8039654C>T

Gene: TUB (TUB bipartite transcription factor; plus strand). Cytogenetic location: 11p15.4.
Variant type: single nucleotide variant.
Molecular consequence: synonymous variant (on NM_003320.5). On other transcripts: intron variant (4).
Genome position: GRCh38 VCF-style: chr11-8039654-C-T. GRCh37 (hg19) VCF-style: chr11-8061201-C-T.
Other names: c.165C>T, p.Thr55= (NM_003320.5); c.56+20296C>T (NM_001440538.1, NM_001440539.1, NM_001440540.1 and 1 more transcripts).
Identifiers: ClinVar variation 2102805 (VCV002102805.4), dbSNP rs773444306, ClinGen allele CA5870851.

ClinVar aggregate classification (germline): Uncertain significance (1 of 4 stars; one submission).

Allele frequency attached by ClinVar (database versions not stated): gnomAD 0.00001; TOPMed 0.00001; ExAC 0.00003.
gnomAD v4.1: 6 of 1,520,440 alleles (0.00039%); highest among the groups gnomAD compares: Non-Finnish European, 0.00053%; no homozygotes.

Submission:

Labcorp Genetics (formerly Invitae), Labcorp
Classification: Uncertain significance. Last evaluated: 2022-02-24. Review status: criteria provided, single submitter. Criteria: Invitae Variant Classification Sherloc (09022015). Collection method: clinical testing. Allele origin: germline.
Comment: Algorithms developed to predict the effect of sequence changes on RNA splicing suggest that this variant may disrupt the consensus splice site. This variant has not been reported in the literature in individuals affected with TUB-related conditions. The frequency data for this variant in the population databases is considered unreliable, as metrics indicate poor data quality at this position in the gnomAD database. This sequence change affects codon 55 of the TUB mRNA. It is a 'silent' change, meaning that it does not change the encoded amino acid sequence of the TUB protein. In summary, the available evidence is currently insufficient to determine the role of this variant in disease. Therefore, it has been classified as a Variant of Uncertain Significance.